The following is an entry in ClinVar:

NM_031407.7(HUWE1):c.5025A>G (p.Arg1675=)

Gene: HUWE1 (HECT, UBA and WWE domain containing E3 ubiquitin protein ligase 1; minus strand). Cytogenetic location: Xp11.22.
Variant type: single nucleotide variant.
Coding change: c.5025A>G on transcript NM_031407.7 (MANE Select); coding-DNA position 5025, A replaced by G.
Protein change: p.Arg1675=; no amino-acid change (arginine 1675 retained).
Molecular consequence: synonymous variant.
Genome position (GRCh38, 1-based): chrX:53,584,322, T>C on the plus strand (A>G on the coding strand, the complement: HUWE1 is on the minus strand). VCF-style: chrX-53584322-T-C. GRCh37 (hg19) VCF-style: chrX-53611282-T-C.
Identifiers: ClinVar variation 589387 (VCV000589387.18), dbSNP rs782240883, ClinGen allele CA10422304.

ClinVar aggregate classification (germline): Benign/Likely benign. Review status: criteria provided, multiple submitters, no conflicts (2 of 4 stars). 5 submissions from 5 submitters: Benign (2); Likely benign (2). 1 of the submissions does not count toward it. Last evaluated 2025-12-19.

Conditions:
HUWE1-related disorder. Also called: HUWE1-related condition.
Inborn genetic diseases. Identifiers: MedGen C0950123, MeSH D030342.

Allele frequency attached by ClinVar (database versions not stated): gnomAD below 0.00001 and 0.00077; TOPMed 0.00017; gnomAD exomes 0.00145 and 0.00319; ExAC 0.00373; 1000 Genomes Project 0.00768; 1000 Genomes Project 30x 0.00832.
gnomAD v4.1: 1,683 of 1,205,952 alleles (0.14%); highest among the groups gnomAD compares: South Asian, 2.8%; 18 homozygotes.

Submissions (5):

Labcorp Genetics (formerly Invitae), Labcorp
Classification: Benign. Last evaluated: 2025-12-19. Review status: criteria provided, single submitter. Criteria: Invitae Variant Classification Sherloc (09022015). Collection method: clinical testing. Allele origin: germline.

Blueprint Genetics
Classification: Likely benign. Last evaluated: 2024-11-18. Review status: criteria provided, single submitter. Criteria: ACMG Guidelines, 2015. Collection method: clinical testing. Allele origin: germline.

GeneDx
Classification: Likely benign. Last evaluated: 2021-08-17. Review status: criteria provided, single submitter. Criteria: GeneDx Variant Classification Process June 2021. Collection method: clinical testing. Allele origin: germline. Affected: yes.

Ambry Genetics
Classification: Benign for Inborn genetic diseases. Last evaluated: 2016-09-09. Review status: criteria provided, single submitter. Criteria: Ambry Variant Classification Scheme 2023. Collection method: clinical testing. Allele origin: germline.

PreventionGenetics, part of Exact Sciences
Classification: Benign for HUWE1-related condition. Last evaluated: 2024-06-16. Review status: no assertion criteria provided. Collection method: clinical testing. Allele origin: germline. Not counted in ClinVar's aggregate classification.
Comment: This variant is classified as benign based on ACMG/AMP sequence variant interpretation guidelines (Richards et al. 2015 PMID: 25741868, with internal and published modifications).